The following is an entry in ClinVar:

NM_000095.3(COMP):c.1190A>T (p.Asp397Val)

Gene: COMP (cartilage oligomeric matrix protein; minus strand). Cytogenetic location: 19p13.11.
Variant type: single nucleotide variant.
Coding change: c.1190A>T on transcript NM_000095.3 (MANE Select); coding-DNA position 1190, A replaced by T.
Protein change: p.Asp397Val; replaces aspartic acid 397 with valine.
Molecular consequence: missense variant.
Genome position (GRCh38, 1-based): chr19:18,786,596, T>A on the plus strand (A>T on the coding strand, the complement: COMP is on the minus strand). VCF-style: chr19-18786596-T-A. GRCh37 (hg19) VCF-style: chr19-18897406-T-A.
Other names: short protein forms D397V.
Identifiers: ClinVar variation 1067409 (VCV001067409.9), dbSNP rs2145901346, ClinGen allele CA404886731.
Genomic context (GRCh38, chr19:18,786,596, plus strand): 5'-TCCGGGTTGCTCTTCTGGGGACAGTTGTCACAGGCATCCCCTATACCATCGCCATCACTG[T>A]CCTTCTGGTCTGAGTTGGGTACCCTAGGGCAGTTGTCGGCCTGGTTGCGGATCCCTGCAG-3'
Protein context (NP_000086.2, residues 387-407): CPRVPNSDQK[Asp397Val]SDGDGIGDAC

ClinVar aggregate classification (germline): Likely pathogenic (1 of 4 stars; one submission).

Submission:

Labcorp Genetics (formerly Invitae), Labcorp
Classification: Likely pathogenic. Last evaluated: 2022-02-24. Review status: criteria provided, single submitter. Criteria: Invitae Variant Classification Sherloc (09022015). Collection method: clinical testing. Allele origin: germline.
Comment: This variant is not present in population databases (gnomAD no frequency). In summary, the currently available evidence indicates that the variant is pathogenic, but additional data are needed to prove that conclusively. Therefore, this variant has been classified as Likely Pathogenic. This variant disrupts the p.Asp397 amino acid residue in COMP. Other variant(s) that disrupt this residue have been determined to be pathogenic (PMID: 21922596). This suggests that this residue is clinically significant, and that variants that disrupt this residue are likely to be disease-causing. Algorithms developed to predict the effect of sequence changes on RNA splicing suggest that this variant may disrupt the consensus splice site. Advanced modeling of protein sequence and biophysical properties (such as structural, functional, and spatial information, amino acid conservation, physicochemical variation, residue mobility, and thermodynamic stability) performed at Invitae indicates that this missense variant is expected to disrupt COMP protein function. ClinVar contains an entry for this variant (Variation ID: 1067409). This variant has not been reported in the literature in individuals affected with COMP-related conditions. This sequence change replaces aspartic acid, which is acidic and polar, with valine, which is neutral and non-polar, at codon 397 of the COMP protein (p.Asp397Val).

Literature cited by the submitters: PubMed 21922596.